The following is an entry in ClinVar:

NM_004655.4(AXIN2):c.53G>A (p.Arg18His)

Gene: AXIN2 (axin 2; minus strand). Cytogenetic location: 17q24.1.
Variant type: single nucleotide variant.
Coding change: c.53G>A on transcript NM_004655.4 (MANE Select); coding-DNA position 53, G replaced by A.
Protein change: p.Arg18His; replaces arginine 18 with histidine.
Molecular consequence: missense variant.
Genome position (GRCh38, 1-based): chr17:65,558,568, C>T on the plus strand (G>A on the coding strand, the complement: AXIN2 is on the minus strand). VCF-style: chr17-65558568-C-T. GRCh37 (hg19) VCF-style: chr17-63554686-C-T.
Other names: c.53G>A, p.Arg18His (NM_001363813.1); short protein forms R18H.
Identifiers: ClinVar variation 1039849 (VCV001039849.12), dbSNP rs878854732, ClinGen allele CA400682345.

ClinVar aggregate classification (germline): Uncertain significance. Review status: criteria provided, multiple submitters, no conflicts (2 of 4 stars). 2 submissions from 2 submitters: Uncertain significance (2). Last evaluated 2025-01-15.

Conditions:
Hereditary cancer-predisposing syndrome. Also called: Neoplastic Syndromes, Hereditary; Hereditary Cancer Syndrome; Tumor predisposition; Hereditary neoplastic syndrome. Identifiers: Orphanet 140162, MedGen C0027672, MeSH D009386, MONDO:0015356.
Oligodontia-cancer predisposition syndrome. Also called: TOOTH AGENESIS-COLORECTAL CANCER SYNDROME. Identifiers: Orphanet 300576, MedGen C1837750, MONDO:0012075, OMIM 608615. Disease mechanism: loss of function.

Submissions (2):

Labcorp Genetics (formerly Invitae), Labcorp
Classification: Uncertain significance for Oligodontia-cancer predisposition syndrome. Last evaluated: 2025-01-15. Review status: criteria provided, single submitter. Criteria: Invitae Variant Classification Sherloc (09022015). Collection method: clinical testing. Allele origin: germline.
Comment: This sequence change replaces arginine, which is basic and polar, with histidine, which is basic and polar, at codon 18 of the AXIN2 protein (p.Arg18His). This variant is not present in population databases (gnomAD no frequency). This variant has not been reported in the literature in individuals affected with AXIN2-related conditions. ClinVar contains an entry for this variant (Variation ID: 1039849). Invitae Evidence Modeling of protein sequence and biophysical properties (such as structural, functional, and spatial information, amino acid conservation, physicochemical variation, residue mobility, and thermodynamic stability) indicates that this missense variant is not expected to disrupt AXIN2 protein function with a negative predictive value of 80%. In summary, the available evidence is currently insufficient to determine the role of this variant in disease. Therefore, it has been classified as a Variant of Uncertain Significance.

Ambry Genetics
Classification: Uncertain significance for Hereditary cancer-predisposing syndrome. Last evaluated: 2024-05-04. Review status: criteria provided, single submitter. Criteria: Ambry Variant Classification Scheme 2023. Collection method: clinical testing. Allele origin: germline.
Comment: The p.R18H variant (also known as c.53G>A), located in coding exon 1 of the AXIN2 gene, results from a G to A substitution at nucleotide position 53. The arginine at codon 18 is replaced by histidine, an amino acid with highly similar properties. This amino acid position is well conserved in available vertebrate species. In addition, this alteration is predicted to be tolerated by in silico analysis. Since supporting evidence is limited at this time, the clinical significance of this alteration remains unclear.